The following is an entry in ClinVar:

ClinVar aggregate classification (germline): Likely benign. Review status: criteria provided, multiple submitters, no conflicts (2 of 4 stars). 2 submissions from 2 submitters: Likely benign (2). Last evaluated 2026-01-01.

Conditions:
VCAN-related disorder. Also called: VCAN-related condition.

gnomAD v4.1: 4 of 1,613,992 alleles (0.00025%); highest among the groups gnomAD compares: East Asian, 0.0067%; no homozygotes.

Submissions (2):

Labcorp Genetics (formerly Invitae), Labcorp
Classification: Likely benign. Last evaluated: 2026-01-01. Review status: criteria provided, single submitter. Criteria: Invitae Variant Classification Sherloc (09022015). Collection method: clinical testing. Allele origin: germline.

PreventionGenetics, part of Exact Sciences
Classification: Likely benign for VCAN-related condition. Last evaluated: 2025-10-06. Review status: criteria provided, single submitter. Criteria: ACMG Guidelines, 2015. Collection method: clinical testing. Allele origin: germline.
Comment: This variant is classified as likely benign based on ACMG/AMP sequence variant interpretation guidelines (Richards et al. 2015 PMID: 25741868, with internal and published modifications).

NM_004385.5(VCAN):c.5928T>C (p.Thr1976=)

Genes: VCAN (versican; plus strand), VCAN-AS1 (VCAN antisense RNA 1; minus strand). Cytogenetic location: 5q14.3.
Variant type: single nucleotide variant.
Coding change: c.5928T>C on transcript NM_004385.5 (MANE Select); coding-DNA position 5928, T replaced by C.
Protein change: p.Thr1976=; no amino-acid change (threonine 1976 retained).
Molecular consequence: synonymous variant. On other transcripts: intron variant (2).
Genome position (GRCh38, 1-based): chr5:83,538,931, T>C. VCF-style: chr5-83538931-T-C. GRCh37 (hg19) VCF-style: chr5-82834750-T-C.
Other names: c.2967T>C, p.Thr989= (NM_001164097.2); c.4004-6606T>C (NM_001164098.2); c.1043-6606T>C (NM_001126336.3); c.5928T>C (NM_004385.4).
Identifiers: ClinVar variation 4693469 (VCV004693469.2).
Genomic context (GRCh38, chr5:83,538,931, plus strand): 5'-GGAAGGCTCTGGAGATGCAGCATTTAGGGACACCCAGACTTCACCATCTACAGTACCTAC[T>C]TCAGTTCACATCAGTCACATATCTGACTCAGAAGGACCCAGTAGCACCATGGTCAGCACT-3'
Protein context (NP_004376.2, residues 1966-1986): DTQTSPSTVP[Thr1976=]SVHISHISDS